The following is an entry in ClinVar:

ClinVar aggregate classification (germline): Uncertain significance. Review status: criteria provided, multiple submitters, no conflicts (2 of 4 stars). 3 submissions from 3 submitters: Uncertain significance (3). Last evaluated 2021-11-16.

Conditions:
Spermatogenic failure 28. Identifiers: MedGen C4748117, MONDO:0054732, OMIM 618086.
Premature ovarian failure 15. Identifiers: MedGen C4748170, MONDO:0054862, OMIM 618096.
Fanconi anemia (FA). Also called: Fanconi's anemia. Identifiers: Orphanet 84, MedGen C0015625, MeSH D005199, MONDO:0019391.

Submissions (3):

Fulgent Genetics
Classification: Uncertain significance for Spermatogenic failure 28; Premature ovarian failure 15. Last evaluated: 2021-11-16. Review status: criteria provided, single submitter. Criteria: ACMG Guidelines, 2015. Collection method: clinical testing. Allele origin: unknown.

Genetic Services Laboratory, University of Chicago
Classification: Uncertain significance. Last evaluated: 2020-09-10. Review status: criteria provided, single submitter. Criteria: ACMG Guidelines, 2015. Collection method: clinical testing. Allele origin: germline. Affected: no.
Comment: DNA sequence analysis of the FANCM gene demonstrated a 3 base pair deletion in exon 10, c.1658_1660del. This in-frame deletion is predicted to result in the deletion of a single amino acid residue, p.Gly553del. This sequence change does not appear to have been previously described in patients with FANCM-related disorders and has also not been described in the large population databases such as ExAC and gnomAD. The functional significance of this sequence change is not known at present and its contribution to this patient's disease phenotype cannot definitively be determined.

Labcorp Genetics (formerly Invitae), Labcorp
Classification: Uncertain significance for Fanconi anemia. Last evaluated: 2020-04-24. Review status: criteria provided, single submitter. Criteria: Invitae Variant Classification Sherloc (09022015). Collection method: clinical testing. Allele origin: germline.
Comment: In summary, the available evidence is currently insufficient to determine the role of this variant in disease. Therefore, it has been classified as a Variant of Uncertain Significance. Experimental studies and prediction algorithms are not available or were not evaluated for this variant, and the functional significance of this variant is currently unknown. This variant has not been reported in the literature in individuals with FANCM-related conditions. This variant is not present in population databases (ExAC no frequency). This variant, c.1658_1660del, results in the deletion of 1 amino acid(s) of the FANCM protein (p.Gly553del), but otherwise preserves the integrity of the reading frame.

NM_020937.4(FANCM):c.1658_1660del (p.Gly553del)

Gene: FANCM (FA complementation group M; plus strand). Cytogenetic location: 14q21.2.
Variant type: Deletion.
Coding change: c.1658_1660del on transcript NM_020937.4 (MANE Select); coding-DNA positions 1658 to 1660, 3 bases deleted (GAG; older notation c.1658_1660delGAG).
Protein change: p.Gly553del; deletes glycine 553.
Molecular consequence: inframe deletion.
Genome position (GRCh38, 1-based): chr14:45,164,435-45,164,437, GAG deleted; deleting any 3 consecutive bases within chr14:45,164,433-45,164,437 gives the same sequence; the c. name uses the placement nearest the transcript's 3' end. VCF-style (leftmost placement, unchanged base first): chr14-45164432-TAGG-T. GRCh37 (hg19) VCF-style: chr14-45633635-TAGG-T.
Other names: c.1580_1582del, p.Gly527del (NM_001308133.2); c.1658_1660del, p.Gly553del (NM_001308134.2); short protein forms G553del, G527del.
Identifiers: ClinVar variation 846123 (VCV000846123.14), dbSNP rs866897480, ClinGen allele CA259623279.